The following is an entry in ClinVar:

NM_018052.5(VAC14):c.750C>A (p.Asn250Lys)

Gene: VAC14 (VAC14 component of PIKFYVE complex; minus strand). Cytogenetic location: 16q22.1.
Variant type: single nucleotide variant.
Coding change: c.750C>A on transcript NM_018052.5 (MANE Select); coding-DNA position 750, C replaced by A.
Protein change: p.Asn250Lys; replaces asparagine 250 with lysine.
Molecular consequence: missense variant.
Genome position (GRCh38, 1-based): chr16:70,783,094, G>T on the plus strand (C>A on the coding strand, the complement: VAC14 is on the minus strand). VCF-style: chr16-70783094-G-T. GRCh37 (hg19) VCF-style: chr16-70816997-G-T.
Other names: c.48C>A, p.Asn16Lys (NM_001351157.2); short protein forms N250K, N16K.
Identifiers: ClinVar variation 1407676 (VCV001407676.6), dbSNP rs774605510, ClinGen allele CA8147974.

ClinVar aggregate classification (germline): Uncertain significance (1 of 4 stars; one submission).

Allele frequency attached by ClinVar (database versions not stated): gnomAD exomes below 0.00001; ExAC 0.00001; gnomAD 0.00002 and 0.00003; TOPMed 0.00002.
gnomAD v4.1: 8 of 1,614,034 alleles (0.0005%); highest among the groups gnomAD compares: African/African-American, 0.011%; no homozygotes.

Submission:

Labcorp Genetics (formerly Invitae), Labcorp
Classification: Uncertain significance. Last evaluated: 2023-09-13. Review status: criteria provided, single submitter. Criteria: Invitae Variant Classification Sherloc (09022015). Collection method: clinical testing. Allele origin: germline.
Comment: ClinVar contains an entry for this variant (Variation ID: 1407676). This sequence change replaces asparagine, which is neutral and polar, with lysine, which is basic and polar, at codon 250 of the VAC14 protein (p.Asn250Lys). This variant is present in population databases (rs774605510, gnomAD 0.008%). This variant has not been reported in the literature in individuals affected with VAC14-related conditions. Advanced modeling of protein sequence and biophysical properties (such as structural, functional, and spatial information, amino acid conservation, physicochemical variation, residue mobility, and thermodynamic stability) performed at Invitae indicates that this missense variant is not expected to disrupt VAC14 protein function. In summary, the available evidence is currently insufficient to determine the role of this variant in disease. Therefore, it has been classified as a Variant of Uncertain Significance.